The following is an entry in ClinVar:

NM_001197104.2(KMT2A):c.2038T>C (p.Ser680Pro)

Gene: KMT2A (lysine methyltransferase 2A; plus strand). Cytogenetic location: 11q23.3.
Variant type: single nucleotide variant.
Coding change: c.2038T>C on transcript NM_001197104.2 (MANE Select); coding-DNA position 2038, T replaced by C.
Protein change: p.Ser680Pro; replaces serine 680 with proline.
Molecular consequence: missense variant.
Genome position (GRCh38, 1-based): chr11:118,473,197, T>C. VCF-style: chr11-118473197-T-C. GRCh37 (hg19) VCF-style: chr11-118343912-T-C.
Other names: c.2137T>C, p.Ser713Pro (NM_001412597.1); c.2038T>C, p.Ser680Pro (NM_005933.4); short protein forms S680P, S713P.
Identifiers: ClinVar variation 1809908 (VCV001809908.2), dbSNP rs2496806115, ClinGen allele CA382812176.

ClinVar aggregate classification (germline): Uncertain significance (1 of 4 stars; one submission).

Submission:

GeneDx
Classification: Uncertain significance. Last evaluated: 2024-09-30. Review status: criteria provided, single submitter. Criteria: GeneDx Variant Classification Process June 2021. Collection method: clinical testing. Allele origin: germline. Affected: yes.
Comment: Not observed at significant frequency in large population cohorts (gnomAD); In silico analysis indicates that this missense variant does not alter protein structure/function; Has not been previously published as pathogenic or benign to our knowledge